The following is an entry in ClinVar:

ClinVar aggregate classification (germline): Uncertain significance (1 of 4 stars; one submission).

Submission:

GeneDx
Classification: Uncertain significance. Last evaluated: 2025-01-09. Review status: criteria provided, single submitter. Criteria: GeneDx Variant Classification Process June 2021. Collection method: clinical testing. Allele origin: germline. Affected: yes.
Comment: Not observed at significant frequency in large population cohorts (gnomAD); In silico analysis supports that this missense variant has a deleterious effect on protein structure/function; Has not been previously published as pathogenic or benign to our knowledge

NM_000146.4(FTL):c.503A>G (p.Glu168Gly)

Gene: FTL (ferritin light chain; plus strand). Cytogenetic location: 19q13.33.
Variant type: single nucleotide variant.
Coding change: c.503A>G on transcript NM_000146.4 (MANE Select); coding-DNA position 503, A replaced by G.
Protein change: p.Glu168Gly; replaces glutamic acid 168 with glycine.
Molecular consequence: missense variant.
Genome position (GRCh38, 1-based): chr19:48,966,710, A>G. VCF-style: chr19-48966710-A-G. GRCh37 (hg19) VCF-style: chr19-49469967-A-G.
Other names: short protein forms E168G.
Identifiers: ClinVar variation 4057096 (VCV004057096.1).